The following is an entry in ClinVar:

NM_021729.6(VPS11):c.1419C>G (p.Phe473Leu)

Gene: VPS11 (VPS11 core subunit of CORVET and HOPS complexes; plus strand). Cytogenetic location: 11q23.3.
Variant type: single nucleotide variant.
Coding change: c.1419C>G on transcript NM_021729.6 (MANE Select); coding-DNA position 1419, C replaced by G.
Protein change: p.Phe473Leu; replaces phenylalanine 473 with leucine.
Molecular consequence: missense variant. On other transcripts: non-coding transcript variant (8).
Genome position (GRCh38, 1-based): chr11:119,077,077, C>G. VCF-style: chr11-119077077-C-G. GRCh37 (hg19) VCF-style: chr11-118947787-C-G.
Other names: c.1419C>G (NM_021729.5); c.1389C>G, p.Phe463Leu (NM_001290185.2); c.1431C>G, p.Phe477Leu (NM_001378218.1, NM_001378219.1); c.1404C>G, p.Phe468Leu (NM_001378220.1); c.1401C>G, p.Phe467Leu (NM_001378221.1); short protein forms F463L, F468L, F467L, F473L, F477L.
Identifiers: ClinVar variation 2182041 (VCV002182041.5), dbSNP rs2497331014, ClinGen allele CA382972828.

ClinVar aggregate classification (germline): Uncertain significance. Review status: criteria provided, multiple submitters, no conflicts (2 of 4 stars). 2 submissions from 2 submitters: Uncertain significance (2). Last evaluated 2022-11-25.

Submissions (2):

GeneDx
Classification: Uncertain significance. Last evaluated: 2022-11-25. Review status: criteria provided, single submitter. Criteria: GeneDx Variant Classification Process June 2021. Collection method: clinical testing. Allele origin: germline. Affected: yes.
Comment: Not observed at significant frequency in large population cohorts (gnomAD); In silico analysis supports that this missense variant has a deleterious effect on protein structure/function; Has not been previously published as pathogenic or benign to our knowledge

Labcorp Genetics (formerly Invitae), Labcorp
Classification: Uncertain significance. Last evaluated: 2022-02-03. Review status: criteria provided, single submitter. Criteria: Invitae Variant Classification Sherloc (09022015). Collection method: clinical testing. Allele origin: germline.
Comment: In summary, the available evidence is currently insufficient to determine the role of this variant in disease. Therefore, it has been classified as a Variant of Uncertain Significance. Experimental studies and prediction algorithms are not available or were not evaluated, and the functional significance of this variant is currently unknown. This variant has not been reported in the literature in individuals affected with VPS11-related conditions. This variant is not present in population databases (gnomAD no frequency). This sequence change replaces phenylalanine, which is neutral and non-polar, with leucine, which is neutral and non-polar, at codon 473 of the VPS11 protein (p.Phe473Leu).